The following is an entry in ClinVar:

NM_001369.3(DNAH5):c.11933dup (p.Glu3979fs)

Gene: DNAH5 (dynein axonemal heavy chain 5; minus strand). Cytogenetic location: 5p15.2.
Variant type: Duplication.
Coding change: c.11933dup on transcript NM_001369.3 (MANE Select); coding-DNA position 11933, one base duplicated (C; older notation c.11933dupC).
Protein change: p.Glu3979fs; shifts the reading frame from glutamic acid 3979.
Molecular consequence: frameshift variant.
Genome position (GRCh38, 1-based): chr5:13,727,607, G duplicated on the plus strand (C on the coding strand, the reverse complement: DNAH5 is on the minus strand); the first of 3 consecutive G bases (chr5:13,727,607-13,727,609); duplicating any one gives the same sequence. VCF-style (leftmost placement, unchanged base first): chr5-13727606-C-CG. GRCh37 (hg19) VCF-style: chr5-13727715-C-CG.
Other names: short protein forms E3979fs.
Identifiers: ClinVar variation 5011937 (VCV005011937.1).

ClinVar aggregate classification (germline): Pathogenic (1 of 4 stars; one submission).

Conditions:
Primary ciliary dyskinesia 3. Identifiers: Orphanet 244, MedGen C1837618, MONDO:0012085, OMIM 608644.

Submission:

Myriad Genetics, Inc.
Classification: Pathogenic for Primary ciliary dyskinesia 3. Last evaluated: 2023-09-27. Review status: criteria provided, single submitter. Criteria: Myriad Autosomal Dominant, Autosomal Recessive and X-Linked Classification Criteria (2023). Collection method: clinical testing. Allele origin: unknown.
Comment: NM_001369.2(DNAH5):c.11933dupC(E3979Gfs*10) is expected to be pathogenic in the context of primary ciliary dyskinesia, DNAH5-related. This variant is predicted to lead to an abnormal or absent protein product due to the creation of a premature termination codon in DNAH5, a gene where loss-of-function variants are known to be pathogenic. Please note: this variant was assessed in the context of healthy population screening.